The following is an entry in ClinVar:

NM_032608.7(MYO18B):c.7623G>A (p.Thr2541=)

Gene: MYO18B (myosin XVIIIB; plus strand). Cytogenetic location: 22q12.1.
Variant type: single nucleotide variant.
Coding change: c.7623G>A on transcript NM_032608.7 (MANE Select); coding-DNA position 7623, G replaced by A.
Protein change: p.Thr2541=; no amino-acid change (threonine 2541 retained).
Molecular consequence: synonymous variant.
Genome position (GRCh38, 1-based): chr22:26,027,597, G>A. VCF-style: chr22-26027597-G-A. GRCh37 (hg19) VCF-style: chr22-26423563-G-A.
Other names: c.7626G>A, p.Thr2542= (NM_001318245.2); c.7623G>A (NM_032608.6).
Identifiers: ClinVar variation 1602831 (VCV001602831.11), dbSNP rs202185507, ClinGen allele CA10161829.
Genomic context (GRCh38, chr22:26,027,597, plus strand): 5'-TGACAGCATCAAAAGTCGACCAGGAATCCCACGACTTGCGGGTGACGGTGGCGAGCGAAC[G>A]TCCCCCGAGCGGAGAGAGCCAGGGACGGGGAGGAAAGACGACGATGTTGCGAGCATAATG-3'
Protein context (NP_115997.5, residues 2531-2551): PRLAGDGGER[Thr2541=]SPERREPGTG

ClinVar aggregate classification (germline): Likely benign. Review status: criteria provided, multiple submitters, no conflicts (2 of 4 stars). 4 submissions from 4 submitters: Likely benign (4). Last evaluated 2026-01-12.

Conditions:
MYO18B-related disorder. Also called: MYO18B-related condition.

Allele frequency attached by ClinVar (database versions not stated): ExAC 0.00024; gnomAD 0.00024 and 0.00025; TOPMed 0.00025; ESP Exome Variant Server 0.00033.
gnomAD v4.1: 877 of 1,613,802 alleles (0.054%); highest among the groups gnomAD compares: Non-Finnish European, 0.07%; no homozygotes.

Submissions (4):

Labcorp Genetics (formerly Invitae), Labcorp
Classification: Likely benign. Last evaluated: 2026-01-12. Review status: criteria provided, single submitter. Criteria: Invitae Variant Classification Sherloc (09022015). Collection method: clinical testing. Allele origin: germline.

PreventionGenetics, part of Exact Sciences
Classification: Likely benign for MYO18B-related condition. Last evaluated: 2025-02-14. Review status: criteria provided, single submitter. Criteria: ACMG Guidelines, 2015. Collection method: clinical testing. Allele origin: germline.
Comment: This variant is classified as likely benign based on ACMG/AMP sequence variant interpretation guidelines (Richards et al. 2015 PMID: 25741868, with internal and published modifications).

Blueprint Genetics
Classification: Likely benign. Last evaluated: 2024-10-30. Review status: criteria provided, single submitter. Criteria: ACMG Guidelines, 2015. Collection method: clinical testing. Allele origin: germline.

Breakthrough Genomics
Classification: Likely benign. Review status: criteria provided, single submitter. Criteria: ACMG Guidelines, 2015. Collection method: not provided. Allele origin: germline. Inheritance: Autosomal recessive inheritance. Affected: yes.